The following is an entry in ClinVar:

ClinVar aggregate classification (germline): Pathogenic. Review status: criteria provided, multiple submitters, no conflicts (2 of 4 stars). 3 submissions from 3 submitters: Pathogenic (2). 1 of the submissions does not count toward it. Last evaluated 2025-03-18.

Conditions:
Polycystic kidney disease, adult type (PKD1). Also called: POLYCYSTIC KIDNEY DISEASE 1 WITH OR WITHOUT POLYCYSTIC LIVER DISEASE; Polycystic Kidney Disease 1, Autosomal Dominant; Polycystic kidney disease 1; Polycystic kidney disease 1, severe; Polycystic Kidney, Autosomal Dominant; POLYCYSTIC KIDNEY DISEASE, ADULT, TYPE I. Identifiers: MedGen C3149841, MONDO:0008263, OMIM 173900.
PKD1-related disorder. Also called: PKD1-related condition.

Submissions (3):

Variantyx, Inc.
Classification: Pathogenic for Polycystic kidney disease, adult type. Last evaluated: 2025-03-18. Review status: criteria provided, single submitter. Criteria: Variantyx Assertion Criteria 2022. Collection method: clinical testing. Allele origin: germline. Affected: yes.
Comment: This is a nonsense variant in the PKD1 gene (OMIM: 601313). Pathogenic variants in this gene have been associated with autosomal dominant polycystic kidney disease 1. This variant introduces a premature termination codon in exon 15 out of 46. It is expected to result in loss of function, which is a known disease mechanism for PKD1 in this disorder (PMID: 29529603, 24694054, 25491204) (PVS1). This variant has been reported in at least 1 affected individual(s) (PMID: 29590654) (PS4_Supporting). This variant has been observed to segregate with disease in at least 3 individuals from 1 family (PMID: 29590654) (PP1). This variant has a 0.0001% maximum allele frequency in non-founder control populations (PM2_Supporting). Based on the current evidence, this variant is classified as pathogenic for autosomal dominant polycystic kidney disease 1.

GeneDx
Classification: Pathogenic. Last evaluated: 2023-08-28. Review status: criteria provided, single submitter. Criteria: GeneDx Variant Classification Process June 2021. Collection method: clinical testing. Allele origin: germline. Affected: yes.
Comment: Nonsense variant predicted to result in protein truncation or nonsense mediated decay in a gene for which loss-of-function is a known mechanism of disease; Not observed at significant frequency in large population cohorts (gnomAD); This variant is associated with the following publications: (PMID: 32457805, 35177841)

PreventionGenetics, part of Exact Sciences
Classification: Likely pathogenic for PKD1-related condition. Last evaluated: 2024-05-31. Review status: no assertion criteria provided. Collection method: clinical testing. Allele origin: germline. Not counted in ClinVar's aggregate classification.
Comment: The PKD1 c.5989C>T variant is predicted to result in premature protein termination (p.Gln1997*). This variant was reported in an individual with polycystic kidney disease (Mantovani et al 2020. PubMed ID: 32457805, Supplementary Table 3). This variant has not been reported in a large population database, indicating this variant is rare. Nonsense variants in PKD1 are expected to be pathogenic. This variant is interpreted as likely pathogenic.

NM_001009944.3(PKD1):c.5989C>T (p.Gln1997Ter)

Gene: PKD1 (polycystin 1, transient receptor potential channel interacting; minus strand). Cytogenetic location: 16p13.3.
Variant type: single nucleotide variant.
Coding change: c.5989C>T on transcript NM_001009944.3 (MANE Select); coding-DNA position 5989, C replaced by T.
Protein change: p.Gln1997Ter; replaces glutamine 1997 with a stop codon.
Molecular consequence: nonsense.
Genome position (GRCh38, 1-based): chr16:2,109,178, G>A on the plus strand (C>T on the coding strand, the complement: PKD1 is on the minus strand). VCF-style: chr16-2109178-G-A. GRCh37 (hg19) VCF-style: chr16-2159179-G-A.
Other names: c.5989C>T, p.Gln1997Ter (NM_000296.4); short protein forms Q1997*.
Identifiers: ClinVar variation 2579530 (VCV002579530.3), dbSNP rs2544806938, ClinGen allele CA394374812.